The following is an entry in ClinVar:

ClinVar aggregate classification (germline): Uncertain significance (1 of 4 stars; one submission).

Conditions:
Hypertrophic cardiomyopathy 1 (CMH1). Also called: MYH7-Related Familial Hypertrophic Cardiomyopathy; Familial hypertrophic cardiomyopathy 1. Identifiers: MedGen C3495498, MONDO:0008647, OMIM 192600.

Allele frequency attached by ClinVar (database versions not stated): gnomAD 0.00001; gnomAD exomes 0.00004; ExAC 0.00007.
gnomAD v4.1: 22 of 1,613,874 alleles (0.0014%); highest among the groups gnomAD compares: South Asian, 0.0077%; no homozygotes.

Submission:

Labcorp Genetics (formerly Invitae), Labcorp
Classification: Uncertain significance for Hypertrophic cardiomyopathy 1. Last evaluated: 2025-12-19. Review status: criteria provided, single submitter. Criteria: Invitae Variant Classification Sherloc (09022015). Collection method: clinical testing. Allele origin: germline.
Comment: This sequence change replaces glycine, which is neutral and non-polar, with arginine, which is basic and polar, at codon 419 of the MYLK2 protein (p.Gly419Arg). This variant is present in population databases (rs781613441, gnomAD 0.01%). This variant has not been reported in the literature in individuals affected with MYLK2-related conditions. ClinVar contains an entry for this variant (Variation ID: 1420945). Invitae Evidence Modeling of protein sequence and biophysical properties (such as structural, functional, and spatial information, amino acid conservation, physicochemical variation, residue mobility, and thermodynamic stability) indicates that this missense variant is expected to disrupt MYLK2 protein function with a positive predictive value of 80%. In summary, the available evidence is currently insufficient to determine the role of this variant in disease. Therefore, it has been classified as a Variant of Uncertain Significance.

NM_033118.4(MYLK2):c.1255G>A (p.Gly419Arg)

Gene: MYLK2 (myosin light chain kinase 2; plus strand). Cytogenetic location: 20q11.21.
Variant type: single nucleotide variant.
Coding change: c.1255G>A on transcript NM_033118.4 (MANE Select); coding-DNA position 1255, G replaced by A.
Protein change: p.Gly419Arg; replaces glycine 419 with arginine.
Molecular consequence: missense variant.
Genome position (GRCh38, 1-based): chr20:31,830,849, G>A. VCF-style: chr20-31830849-G-A. GRCh37 (hg19) VCF-style: chr20-30418652-G-A.
Other names: short protein forms G419R.
Identifiers: ClinVar variation 1420945 (VCV001420945.8), dbSNP rs781613441, ClinGen allele CA9803153.
Genomic context (GRCh38, chr20:31,830,849, plus strand): 5'-GCCCACCCAGGCCACCCCCTTTCTCCTCAGCCAGAGAACATCCTGTGTGTCAACACCACC[G>A]GGCATTTGGTGAAGATCATTGACTTTGGCCTGGCACGGAGGTACCACCTGGGTGGGTGGG-3'
Protein context (NP_149109.1, residues 409-429): PENILCVNTT[Gly419Arg]HLVKIIDFGL